The following is an entry in ClinVar:

NM_006648.4(WNK2):c.4507G>C (p.Ala1503Pro)

Gene: WNK2 (WNK lysine deficient protein kinase 2; plus strand). Cytogenetic location: 9q22.31.
Variant type: single nucleotide variant.
Coding change: c.4507G>C on transcript NM_006648.4 (MANE Select); coding-DNA position 4507, G replaced by C.
Protein change: p.Ala1503Pro; replaces alanine 1503 with proline.
Molecular consequence: missense variant.
Genome position (GRCh38, 1-based): chr9:93,289,261, G>C. VCF-style: chr9-93289261-G-C. GRCh37 (hg19) VCF-style: chr9-96051543-G-C.
Other names: c.4618G>C, p.Ala1540Pro (NM_001282394.3); short protein forms A1503P, A1540P.
Identifiers: ClinVar variation 4866706 (VCV004866706.1).
Genomic context (GRCh38, chr9:93,289,261, plus strand): 5'-AGCCCCCACAGCGGGACCCCACAGCCCGCCTTGGGTCAACCTGCTCCCCTGCTTCCTGCC[G>C]CAGTGGGGGCCGTCAGCCTGGCCACCTCCCAGCTCCCAAGCCCACCCCTGGGGCCCACCG-3'
Protein context (NP_006639.3, residues 1493-1513): LGQPAPLLPA[Ala1503Pro]VGAVSLATSQ

ClinVar aggregate classification (germline): Uncertain significance (1 of 4 stars; one submission).

Submission:

Ambry Genetics
Classification: Uncertain significance. Last evaluated: 2026-05-24. Review status: criteria provided, single submitter. Criteria: Ambry Variant Classification Scheme 2023. Collection method: clinical testing. Allele origin: germline.
Comment: The p.A1503P variant (also known as c.4507G>C), located in coding exon 19 of the WNK2 gene, results from a G to C substitution at nucleotide position 4507. The alanine at codon 1503 is replaced by proline, an amino acid with highly similar properties. This amino acid position is conserved. In addition, this alteration is predicted to be tolerated by in silico analysis. Based on the available evidence, the clinical significance of this variant remains unclear.